The following is an entry in ClinVar:

ClinVar aggregate classification (germline): Uncertain significance (1 of 4 stars; one submission).

Conditions:
Aicardi-Goutieres syndrome 6 (AGS6). Identifiers: Orphanet 51, MedGen C3539013, MONDO:0014007, OMIM 615010.
Symmetrical dyschromatosis of extremities (DSH). Also called: RETICULATE ACROPIGMENTATION OF DOHI; SYMMETRIC DYSCHROMATOSIS OF THE EXTREMITIES; DYSCHROMATOSIS SYMMETRICA HEREDITARIA 1; Dyschromatosis symmetrica hereditaria. Identifiers: Orphanet 41, MedGen C0406775, MONDO:0007483, OMIM 127400.

Submission:

Labcorp Genetics (formerly Invitae), Labcorp
Classification: Uncertain significance for Aicardi-Goutieres syndrome 6; Symmetrical dyschromatosis of extremities. Last evaluated: 2022-06-19. Review status: criteria provided, single submitter. Criteria: Invitae Variant Classification Sherloc (09022015). Collection method: clinical testing. Allele origin: germline.
Comment: In summary, the available evidence is currently insufficient to determine the role of this variant in disease. Therefore, it has been classified as a Variant of Uncertain Significance. Algorithms developed to predict the effect of missense changes on protein structure and function are either unavailable or do not agree on the potential impact of this missense change (SIFT: "Tolerated"; PolyPhen-2: "Probably Damaging"; Align-GVGD: "Class C0"). This variant has not been reported in the literature in individuals affected with ADAR-related conditions. This variant is not present in population databases (gnomAD no frequency). This sequence change replaces serine, which is neutral and polar, with arginine, which is basic and polar, at codon 661 of the ADAR protein (p.Ser661Arg).

NM_001111.5(ADAR):c.1981A>C (p.Ser661Arg)

Gene: ADAR (adenosine deaminase RNA specific; minus strand). Cytogenetic location: 1q21.3.
Variant type: single nucleotide variant.
Coding change: c.1981A>C on transcript NM_001111.5 (MANE Select); coding-DNA position 1981, A replaced by C.
Protein change: p.Ser661Arg; replaces serine 661 with arginine.
Molecular consequence: missense variant.
Genome position (GRCh38, 1-based): chr1:154,597,221, T>G on the plus strand (A>C on the coding strand, the complement: ADAR is on the minus strand). VCF-style: chr1-154597221-T-G. GRCh37 (hg19) VCF-style: chr1-154569697-T-G.
Other names: c.1981A>C, p.Ser661Arg (NM_015841.4, NM_015840.4); c.1096A>C, p.Ser366Arg (NM_001025107.3, NM_001193495.2, NM_001365046.1 and 3 more transcripts); c.2008A>C, p.Ser670Arg (NM_001365045.1); short protein forms S661R, S670R, S366R.
Identifiers: ClinVar variation 2008245 (VCV002008245.4), dbSNP rs2526596174, ClinGen allele CA342638297.